The following is an entry in ClinVar:

ClinVar aggregate classification (germline): Pathogenic. Review status: criteria provided, multiple submitters, no conflicts (2 of 4 stars). 3 submissions from 3 submitters: Pathogenic (2). 1 of the submissions does not count toward it. Last evaluated 2022-12-08.

Conditions:
ASH1L-related disorder. Also called: ASH1L-related condition.
Intellectual developmental disorder, autosomal dominant 52. Also called: Intellectual disability, autosomal dominant 52; Mental retardation, autosomal dominant 52. Identifiers: MedGen C4540478, MONDO:0030918, OMIM 617796.

Submissions (3):

GeneDx
Classification: Pathogenic. Last evaluated: 2022-12-08. Review status: criteria provided, single submitter. Criteria: GeneDx Variant Classification Process June 2021. Collection method: clinical testing. Allele origin: germline. Affected: yes.
Comment: Frameshift variant predicted to result in protein truncation or nonsense mediated decay in a gene for which loss of function is a known mechanism of disease; Not observed at significant frequency in large population cohorts (gnomAD); This variant is associated with the following publications: (PMID: 35599849)

Blueprint Genetics
Classification: Pathogenic for ASH1L-related disorders. Last evaluated: 2022-02-28. Review status: criteria provided, single submitter. Criteria: ACMG Guidelines, 2015. Collection method: clinical testing. Allele origin: germline. Affected: yes. Observed: 1 variant allele.

Molecular Genetics Laboratory, BC Children's and BC Women's Hospitals
Classification: Pathogenic for Intellectual developmental disorder, autosomal dominant 52. Last evaluated: 2018-09-26. Review status: no assertion criteria provided. Criteria: ACMG Guidelines, 2015. Collection method: clinical testing. Allele origin: de novo. Affected: yes. Not counted in ClinVar's aggregate classification.

NM_018489.3(ASH1L):c.3664_3667del (p.Lys1222fs)

Gene: ASH1L (ASH1 like histone lysine methyltransferase; minus strand). Cytogenetic location: 1q22.
Variant type: Deletion.
Coding change: c.3664_3667del on transcript NM_018489.3 (MANE Select); coding-DNA positions 3664 to 3667, 4 bases deleted (AAGA; older notation c.3664_3667delAAGA).
Protein change: p.Lys1222fs; shifts the reading frame from lysine 1222.
Molecular consequence: frameshift variant.
Genome position (GRCh38, 1-based): chr1:155,479,203-155,479,206, TCTT deleted on the plus strand (AAGA on the coding strand, the reverse complement: ASH1L is on the minus strand); deleting any 4 consecutive bases within chr1:155,479,203-155,479,207 gives the same sequence; the c. name uses the placement nearest the transcript's 3' end. VCF-style (leftmost placement, unchanged base first): chr1-155479202-CTCTT-C. GRCh37 (hg19) VCF-style: chr1-155448993-CTCTT-C.
Other names: c.3664_3667delAAGA (NM_018489.2); c.3664_3667del (NM_018489.2); c.3664_3667del, p.Lys1222fs (NM_001366177.2); short protein forms K1222fs.
Identifiers: ClinVar variation 625522 (VCV000625522.3), dbSNP rs1558148010, ClinGen allele CA913189554.